The following is an entry in ClinVar:

NM_177438.3(DICER1):c.5068G>C (p.Ala1690Pro)

Gene: DICER1 (dicer 1, ribonuclease III; minus strand). Cytogenetic location: 14q32.13.
Variant type: single nucleotide variant.
Coding change: c.5068G>C on transcript NM_177438.3 (MANE Select); coding-DNA position 5068, G replaced by C.
Protein change: p.Ala1690Pro; replaces alanine 1690 with proline.
Molecular consequence: missense variant.
Genome position (GRCh38, 1-based): chr14:95,095,852, C>G on the plus strand (G>C on the coding strand, the complement: DICER1 is on the minus strand). VCF-style: chr14-95095852-C-G. GRCh37 (hg19) VCF-style: chr14-95562189-C-G.
Other names: c.5068G>C, p.Ala1690Pro (NM_001195573.1, NM_001271282.3, NM_001291628.2 and 1 more transcripts); short protein forms A1690P.
Identifiers: ClinVar variation 1441900 (VCV001441900.12), dbSNP rs2139837507, ClinGen allele CA390865967.
Genomic context (GRCh38, chr14:95,095,852, plus strand): 5'-CCCAGAAATGAAGTCTGGTCGTGGGCTCCTTACCAGTGATAGTATTGTAGTGGTAGGAGG[C>G]ATGTGTAAAAGCCTGGAGAAGGTAAGCCTTATTCTTGAATCTGTAGTTGATTTTCTTTTC-3'
Protein context (NP_803187.1, residues 1680-1700): KAYLLQAFTH[Ala1690Pro]SYHYNTITDC

ClinVar aggregate classification (germline): Uncertain significance. Review status: criteria provided, multiple submitters, no conflicts (2 of 4 stars). 2 submissions from 2 submitters: Uncertain significance (2). Last evaluated 2025-07-15.

Conditions:
Hereditary cancer-predisposing syndrome. Also called: Neoplastic Syndromes, Hereditary; Hereditary Cancer Syndrome; Tumor predisposition; Hereditary neoplastic syndrome. Identifiers: Orphanet 140162, MedGen C0027672, MeSH D009386, MONDO:0015356.
DICER1-related tumor predisposition. Also called: DICER1-related pleuropulmonary blastoma cancer predisposition syndrome; DICER1 syndrome. Identifiers: Orphanet 284343, MedGen C3839822, MONDO:0100216.

Allele frequency attached by ClinVar (database versions not stated): gnomAD exomes below 0.00001.
gnomAD v4.1: 3 of 1,614,158 alleles (0.00019%); highest among the groups gnomAD compares: Non-Finnish European, 0.00025%; no homozygotes.

Submissions (2):

Ambry Genetics
Classification: Uncertain significance for Hereditary cancer-predisposing syndrome. Last evaluated: 2025-07-15. Review status: criteria provided, single submitter. Criteria: Ambry Variant Classification Scheme 2023. Collection method: clinical testing. Allele origin: germline.
Comment: The p.A1690P variant (also known as c.5068G>C), located in coding exon 22 of the DICER1 gene, results from a G to C substitution at nucleotide position 5068. The alanine at codon 1690 is replaced by proline, an amino acid with highly similar properties. This amino acid position is highly conserved in available vertebrate species. In addition, this alteration is predicted to be deleterious by in silico analysis. Based on the available evidence, the clinical significance of this variant remains unclear.

Labcorp Genetics (formerly Invitae), Labcorp
Classification: Uncertain significance for DICER1-related tumor predisposition. Last evaluated: 2022-03-17. Review status: criteria provided, single submitter. Criteria: Invitae Variant Classification Sherloc (09022015). Collection method: clinical testing. Allele origin: germline.
Comment: This sequence change replaces alanine, which is neutral and non-polar, with proline, which is neutral and non-polar, at codon 1690 of the DICER1 protein (p.Ala1690Pro). This variant is not present in population databases (gnomAD no frequency). This variant has not been reported in the literature in individuals affected with DICER1-related conditions. Algorithms developed to predict the effect of missense changes on protein structure and function (SIFT, PolyPhen-2, Align-GVGD) all suggest that this variant is likely to be disruptive. In summary, the available evidence is currently insufficient to determine the role of this variant in disease. Therefore, it has been classified as a Variant of Uncertain Significance.